The following is an entry in ClinVar:

ClinVar aggregate classification (germline): Conflicting classifications of pathogenicity. Review status: criteria provided, conflicting classifications (1 of 4 stars). 8 submissions from 8 submitters: Likely pathogenic (1); Uncertain significance (5). 2 of the submissions do not count toward it. Last evaluated 2025-09-30.

Conditions:
Usher syndrome. Also called: Usher Syndromes; Usher's syndrome. Identifiers: Orphanet 886, MedGen CN469326, MeSH D052245, MONDO:0019501. Disease mechanism: loss of function.
USH2A-related disorder. Also called: USH2A-related disorders; USH2A-related condition. Identifiers: MedGen CN239332.
Usher syndrome type 2A. Also called: RETINAL DISEASE IN USHER SYNDROME TYPE IIA, MODIFIER OF; USHER SYNDROME, TYPE IIA. Identifiers: Orphanet 231178, Orphanet 886, MedGen C1848634, MONDO:0010169, OMIM 276901.
Retinitis pigmentosa 39 (RP39). Identifiers: Orphanet 791, MedGen C3151138, MONDO:0013436, OMIM 613809.

Allele frequency attached by ClinVar (database versions not stated): gnomAD 0.00001 and 0.00003; gnomAD exomes 0.00002 and 0.00003; TOPMed 0.00002; ExAC 0.00003.
gnomAD v4.1: 47 of 1,610,260 alleles (0.0029%); highest among the groups gnomAD compares: Middle Eastern, 0.099%; no homozygotes.

Submissions (8):

PreventionGenetics, part of Exact Sciences
Classification: Uncertain significance for USH2A-related condition. Last evaluated: 2025-09-30. Review status: criteria provided, single submitter. Criteria: ACMG Guidelines, 2015. Collection method: clinical testing. Allele origin: germline.
Comment: The USH2A c.9071T>A variant is predicted to result in the amino acid substitution p.Leu3024His. To our knowledge, this variant has not been reported in the literature. This variant is reported in 0.013% of alleles in individuals of South Asian descent in gnomAD. At this time, the clinical significance of this variant is uncertain due to the absence of conclusive functional and genetic evidence.

Labcorp Genetics (formerly Invitae), Labcorp
Classification: Uncertain significance. Last evaluated: 2024-05-16. Review status: criteria provided, single submitter. Criteria: Invitae Variant Classification Sherloc (09022015). Collection method: clinical testing. Allele origin: germline.
Comment: This sequence change replaces leucine, which is neutral and non-polar, with histidine, which is basic and polar, at codon 3024 of the USH2A protein (p.Leu3024His). This variant is present in population databases (rs111033456, gnomAD 0.02%). This variant has not been reported in the literature in individuals affected with USH2A-related conditions. ClinVar contains an entry for this variant (Variation ID: 48612). Advanced modeling of protein sequence and biophysical properties (such as structural, functional, and spatial information, amino acid conservation, physicochemical variation, residue mobility, and thermodynamic stability) performed at Invitae indicates that this missense variant is not expected to disrupt USH2A protein function with a negative predictive value of 95%. In summary, the available evidence is currently insufficient to determine the role of this variant in disease. Therefore, it has been classified as a Variant of Uncertain Significance.

GeneDx
Classification: Uncertain significance. Last evaluated: 2024-02-14. Review status: criteria provided, single submitter. Criteria: GeneDx Variant Classification Process June 2021. Collection method: clinical testing. Allele origin: germline. Affected: yes.
Comment: In silico analysis supports that this missense variant does not alter protein structure/function; Has not been previously published as pathogenic or benign to our knowledge

Blueprint Genetics
Classification: Uncertain significance. Last evaluated: 2023-10-20. Review status: criteria provided, single submitter. Criteria: ACMG Guidelines, 2015. Collection method: clinical testing. Allele origin: germline.

SN ONGC Dept of Genetics and Molecular biology Vision Research Foundation
Classification: Likely pathogenic for Usher syndrome. Last evaluated: 2022-12-31. Review status: criteria provided, single submitter. Criteria: ACMG Guidelines, 2015. Collection method: research. Allele origin: unknown. Affected: yes. Observed: 1 variant allele, 1 homozygote.

Laboratory for Molecular Medicine, Mass General Brigham Personalized Medicine
Classification: Uncertain significance. Last evaluated: 2009-10-12. Review status: criteria provided, single submitter. Criteria: LMM Criteria. Collection method: clinical testing. Allele origin: germline. Observed: 1 variant allele.

Natera, Inc.
Classification: Uncertain significance for Usher syndrome type 2A. Last evaluated: 2020-03-17. Review status: no assertion criteria provided. Collection method: clinical testing. Allele origin: germline. Not counted in ClinVar's aggregate classification.

Counsyl
Classification: Uncertain significance for Usher syndrome type 2A; Retinitis pigmentosa 39. Last evaluated: 2017-09-06. Review status: no assertion criteria provided. Collection method: clinical testing. Allele origin: unknown. Not counted in ClinVar's aggregate classification.

NM_206933.4(USH2A):c.9071T>A (p.Leu3024His)

Gene: USH2A (usherin; minus strand). Cytogenetic location: 1q41.
Variant type: single nucleotide variant.
Coding change: c.9071T>A on transcript NM_206933.4 (MANE Select); coding-DNA position 9071, T replaced by A.
Protein change: p.Leu3024His; replaces leucine 3024 with histidine.
Molecular consequence: missense variant.
Genome position (GRCh38, 1-based): chr1:215,844,481, A>T on the plus strand (T>A on the coding strand, the complement: USH2A is on the minus strand). VCF-style: chr1-215844481-A-T. GRCh37 (hg19) VCF-style: chr1-216017823-A-T.
Other names: short protein forms L3024H.
Identifiers: ClinVar variation 48612 (VCV000048612.37), dbSNP rs111033456, ClinGen allele CA143644.